The following is an entry in ClinVar:

NM_014244.5(ADAMTS2):c.2439C>T (p.His813=)

Gene: ADAMTS2 (ADAM metallopeptidase with thrombospondin type 1 motif 2; minus strand). Cytogenetic location: 5q35.3.
Variant type: single nucleotide variant.
Coding change: c.2439C>T on transcript NM_014244.5 (MANE Select); coding-DNA position 2439, C replaced by T.
Protein change: p.His813=; no amino-acid change (histidine 813 retained).
Molecular consequence: synonymous variant.
Genome position (GRCh38, 1-based): chr5:179,129,950, G>A on the plus strand (C>T on the coding strand, the complement: ADAMTS2 is on the minus strand). VCF-style: chr5-179129950-G-A. GRCh37 (hg19) VCF-style: chr5-178556951-G-A.
Identifiers: ClinVar variation 353104 (VCV000353104.60), dbSNP rs141661592, ClinGen allele CA3595559.

ClinVar aggregate classification (germline): Conflicting classifications of pathogenicity. Review status: criteria provided, conflicting classifications (1 of 4 stars). 8 submissions from 8 submitters: Uncertain significance (1); Benign (1); Likely benign (4). 2 of the submissions do not count toward it. Last evaluated 2026-07-01.

Conditions:
Ehlers-Danlos syndrome, dermatosparaxis type. Also called: Dermatosparaxis; Ehlers-Danlos syndrome, type VII, autosomal recessive; EDS VIIC. Identifiers: Orphanet 1901, MedGen C2700425, MONDO:0009161, OMIM 225410.
ADAMTS2-related disorder. Also called: ADAMTS2-related condition.

Allele frequency attached by ClinVar (database versions not stated): TOPMed 0.00009; gnomAD 0.00029 and 0.00030; ESP Exome Variant Server 0.00038; gnomAD exomes 0.00039; ExAC 0.00042.
gnomAD v4.1: 384 of 1,613,842 alleles (0.024%); highest among the groups gnomAD compares: Non-Finnish European, 0.015%; 1 homozygote.

Submissions (8):

CeGaT Center for Human Genetics Tuebingen
Classification: Likely benign. Last evaluated: 2026-07-01. Review status: criteria provided, single submitter. Criteria: CeGaT Center For Human Genetics Tuebingen Variant Classification Criteria Version 2. Collection method: clinical testing. Allele origin: germline. Affected: yes. Observed: 4 variant alleles.
Comment: ADAMTS2: BP4, BP7

Women's Health and Genetics/Laboratory Corporation of America, LabCorp
Classification: Likely benign. Last evaluated: 2026-01-22. Review status: criteria provided, single submitter. Criteria: LabCorp Variant Classification Summary - May 2015. Collection method: clinical testing. Allele origin: germline.

Labcorp Genetics (formerly Invitae), Labcorp
Classification: Benign for Ehlers-Danlos syndrome, dermatosparaxis type. Last evaluated: 2026-01-14. Review status: criteria provided, single submitter. Criteria: Invitae Variant Classification Sherloc (09022015). Collection method: clinical testing. Allele origin: germline.

Blueprint Genetics
Classification: Likely benign. Last evaluated: 2024-09-13. Review status: criteria provided, single submitter. Criteria: ACMG Guidelines, 2015. Collection method: clinical testing. Allele origin: germline.

GeneDx
Classification: Likely benign. Last evaluated: 2019-04-22. Review status: criteria provided, single submitter. Criteria: GeneDx Variant Classification Process June 2021. Collection method: clinical testing. Allele origin: germline. Affected: yes.
Comment: In silico analysis, which includes splice predictors and evolutionary conservation, supports that this variant does not alter protein structure/function; Nucleotide substitution has no predicted effect on splicing and is not conserved across species; Has not been previously published as pathogenic or benign to our knowledge

Illumina Laboratory Services, Illumina
Classification: Uncertain significance for Ehlers-Danlos syndrome, dermatosparaxis type. Last evaluated: 2018-01-13. Review status: criteria provided, single submitter. Criteria: ICSL Variant Classification Criteria 13 December 2019. Collection method: clinical testing. Allele origin: germline.

PreventionGenetics, part of Exact Sciences
Classification: Likely benign for ADAMTS2-related condition. Last evaluated: 2023-12-15. Review status: no assertion criteria provided. Collection method: clinical testing. Allele origin: germline. Not counted in ClinVar's aggregate classification.
Comment: This variant is classified as likely benign based on ACMG/AMP sequence variant interpretation guidelines (Richards et al. 2015 PMID: 25741868, with internal and published modifications).

Natera, Inc.
Classification: Likely benign for Ehlers-Danlos syndrome type VIIC. Last evaluated: 2020-05-01. Review status: no assertion criteria provided. Collection method: clinical testing. Allele origin: germline. Not counted in ClinVar's aggregate classification.